The following is an entry in ClinVar:

ClinVar aggregate classification (germline): Likely pathogenic. Review status: criteria provided, multiple submitters, no conflicts (2 of 4 stars). 2 submissions from 2 submitters: Likely pathogenic (2). Last evaluated 2026-01-14.

Conditions:
TTN-related disorder. Also called: TTN-related condition; TTN-related disease; TTN-related disorders.
Dilated cardiomyopathy 1G (CMD1G). Identifiers: Orphanet 154, MedGen C1858763, MONDO:0011400, OMIM 604145.
Autosomal recessive limb-girdle muscular dystrophy type 2J (LGMDR10). Also called: MUSCULAR DYSTROPHY, LIMB-GIRDLE, AUTOSOMAL RECESSIVE 10; Limb-girdle muscular dystrophy, type 2J. Identifiers: Orphanet 140922, MedGen C1837342, MONDO:0012127, OMIM 608807.

Allele frequency attached by ClinVar (database versions not stated): gnomAD 0.00001.

Submissions (2):

Labcorp Genetics (formerly Invitae), Labcorp
Classification: Likely pathogenic for Dilated cardiomyopathy 1G; Autosomal recessive limb-girdle muscular dystrophy type 2J. Last evaluated: 2026-01-14. Review status: criteria provided, single submitter. Criteria: Invitae Variant Classification Sherloc (09022015). Collection method: clinical testing. Allele origin: germline.
Comment: This sequence change creates a premature translational stop signal (p.Ile4622Asnfs*12) in the TTN gene. While this is not anticipated to result in nonsense mediated decay, it is expected to create a truncated TTN protein. This variant is not present in population databases (gnomAD no frequency). This variant has not been reported in the literature in individuals affected with TTN-related conditions. ClinVar contains an entry for this variant (Variation ID: 2635427). This variant is located in the I band of TTN (PMID: 25589632). Truncating variants in this region have been reported in individuals affected with autosomal recessive centronuclear myopathy (PMID: 23975875, internal data). Truncating variants in this region have also been identified in individuals affected with autosomal dominant dilated cardiomyopathy and/or cardio-related conditions (PMID: 27869827, 32964742, internal data). In summary, the currently available evidence indicates that the variant is pathogenic, but additional data are needed to prove that conclusively. Therefore, this variant has been classified as Likely Pathogenic.

PreventionGenetics, part of Exact Sciences
Classification: Likely pathogenic for TTN-related condition. Last evaluated: 2022-11-02. Review status: criteria provided, single submitter. Criteria: ACMG Guidelines, 2015. Collection method: clinical testing. Allele origin: germline.
Comment: The TTN c.13864dupA variant is predicted to result in a frameshift and premature protein termination (p.Ile4622Asnfs*12). To our knowledge, this variant has not been reported in the literature or in a large population databases. This variant is located in the TTN protein I-band region and many other protein truncating variants in this exon have been previously reported in individuals with dilated cardiomyopathy and early onset atrial fibrillation (Human Gene Mutation Database; Roberts A.M. et al. 2015. PubMed ID: 25589632). RNAseq studies from heart tissue indicate this exon is commonly included in TTN mRNA transcripts (PSI of 95%-100%, Roberts A.M. et al. 2015. PMID: 25589632). TTN truncating variants in the heterozygous state have been reported in presumably healthy individuals, but occur more frequently in exons with low PSI values (Roberts A.M. et al. 2015. PMID: 25589632; Herman D.S. et al. 2012. PMID: 22335739). However, many cases of recessive TTN-related myopathies in which the individual is compound heterozygous for two loss of function variants (regardless of PSI value) in TTN have also been reported (See Ceyhan-Birsoy O. et al. 2013. PMID: 23975875; Chauveau C et al. 2014. PMID: 24105469; Evilä A et al. 2016. PMID: 27796757; Ge et al. 2019. PubMed ID: 31053406). In summary, the c.13864dupA variant is likely pathogenic for recessive and dominant TTN-related disorders. Of note, TTN truncating variants show incomplete and age-dependent penetrance in regards to autosomal dominant dilated cardiomyopathy. ACMG has recommended the reporting of TTN truncating variants in highly expressed exons due to the significant risk of cardiomyopathy (see ACMG statement in Miller et al. 2021. PubMed ID: 34012068).

Literature cited by the submitters: PubMed 25589632 (cited by Labcorp Genetics (formerly Invitae), Labcorp); PubMed 23975875 (cited by Labcorp Genetics (formerly Invitae), Labcorp); PubMed 27869827 (cited by Labcorp Genetics (formerly Invitae), Labcorp); PubMed 32964742 (cited by Labcorp Genetics (formerly Invitae), Labcorp).

NM_001267550.2(TTN):c.13864dup (p.Ile4622fs)

Gene: TTN (titin; minus strand). Cytogenetic location: 2q31.2.
Variant type: Duplication.
Coding change: c.13864dup on transcript NM_001267550.2 (MANE Select); coding-DNA position 13864, one base duplicated (A; older notation c.13864dupA).
Protein change: p.Ile4622fs; shifts the reading frame from isoleucine 4622.
Molecular consequence: frameshift variant. On other transcripts: intron variant (1).
Genome position (GRCh38, 1-based): chr2:178,739,369, T duplicated on the plus strand (A on the coding strand, the reverse complement: TTN is on the minus strand). VCF-style (leftmost placement, unchanged base first): chr2-178739368-A-AT. GRCh37 (hg19) VCF-style: chr2-179604095-A-AT.
Other names: c.12913dup, p.Ile4305fs (NM_001256850.1); c.12775dup, p.Ile4259fs (NM_003319.4); c.13150dup, p.Ile4384fs (NM_133432.3); c.13351dup, p.Ile4451fs (NM_133437.4); c.10361-1009dup (NM_133378.4); c.13864dupA (NM_001267550.2); short protein forms I4259fs, I4305fs, I4384fs, I4451fs, I4622fs.
Identifiers: ClinVar variation 2635427 (VCV002635427.2), dbSNP rs2082084610, ClinGen allele CA1039719349.